The following is an entry in ClinVar:

ClinVar aggregate classification (germline): Uncertain significance. Review status: criteria provided, multiple submitters, no conflicts (2 of 4 stars). 3 submissions from 3 submitters: Uncertain significance (3). Last evaluated 2026-05-07.

Conditions:
Early-infantile DEE. Also called: Early infantile epileptic encephalopathy; Early infantile epileptic encephalopathy with suppression bursts; Ohtahara syndrome. Identifiers: Orphanet 1934, MedGen C0393706, MONDO:0800491.
Developmental and epileptic encephalopathy 6B. Also called: Developmental and epileptic encephalopathy 6B, non-Dravet. Identifiers: MedGen C5543353, MONDO:0030268, OMIM 619317.
Migraine, familial hemiplegic, 3. Identifiers: Orphanet 569, MedGen C1864987, MONDO:0012320, OMIM 609634.
Generalized epilepsy with febrile seizures plus, type 2 (GEFSP2). Also called: GEFS+, TYPE 2. Identifiers: Orphanet 36387, MedGen C1858673, MONDO:0011461, OMIM 604403.
Severe myoclonic epilepsy in infancy (DRVT). Also called: Epileptic encephalopathy, early infantile, 6 (Dravet syndrome); SEVERE MYOCLONIC EPILEPSY OF INFANCY; DEVELOPMENTAL AND EPILEPTIC ENCEPHALOPATHY 6A; Severe Myoclonic Epilepsy in Infancy (SMEI); Dravet syndrome. Identifiers: Orphanet 33069, MedGen C0751122, MONDO:0100135, OMIM 607208.

Allele frequency attached by ClinVar (database versions not stated): gnomAD exomes 0.00001.
gnomAD v4.1: 7 of 1,612,196 alleles (0.00043%); highest among the groups gnomAD compares: Non-Finnish European, 0.00059%; no homozygotes.

Submissions (3):

GeneDx
Classification: Uncertain significance. Last evaluated: 2026-05-07. Review status: criteria provided, single submitter. Criteria: GeneDx Variant Classification Process June 2021. Collection method: clinical testing. Allele origin: germline.
Comment: Reported previously in a patient with epileptic encephalopathy (PMID: 31554424); Not observed at significant frequency in large population cohorts (gnomAD); In silico analysis suggests that this missense variant does not alter protein structure/function; This substitution is predicted to be within the intracellular loop between the S2 and S3 transmembrane segments of the first homologous domain; This variant is associated with the following publications: (PMID: 31554424, 41617776)

Labcorp Genetics (formerly Invitae), Labcorp
Classification: Uncertain significance for Early-infantile DEE. Last evaluated: 2024-04-22. Review status: criteria provided, single submitter. Criteria: Invitae Variant Classification Sherloc (09022015). Collection method: clinical testing. Allele origin: germline.
Comment: This sequence change replaces glutamic acid, which is acidic and polar, with glycine, which is neutral and non-polar, at codon 181 of the SCN1A protein (p.Glu181Gly). This variant is not present in population databases (gnomAD no frequency). This variant has not been reported in the literature in individuals affected with SCN1A-related conditions. ClinVar contains an entry for this variant (Variation ID: 568871). Advanced modeling of protein sequence and biophysical properties (such as structural, functional, and spatial information, amino acid conservation, physicochemical variation, residue mobility, and thermodynamic stability) performed at Invitae indicates that this missense variant is not expected to disrupt SCN1A protein function with a negative predictive value of 95%. In summary, the available evidence is currently insufficient to determine the role of this variant in disease. Therefore, it has been classified as a Variant of Uncertain Significance.

Fulgent Genetics
Classification: Uncertain significance for Generalized epilepsy with febrile seizures plus, type 2; Severe myoclonic epilepsy in infancy; Migraine, familial hemiplegic, 3; Developmental and epileptic encephalopathy 6B. Last evaluated: 2022-03-08. Review status: criteria provided, single submitter. Criteria: ACMG Guidelines, 2015. Collection method: clinical testing. Allele origin: unknown.

NM_001165963.4(SCN1A):c.542A>G (p.Glu181Gly)

Gene: SCN1A (sodium voltage-gated channel alpha subunit 1; minus strand). Cytogenetic location: 2q24.3.
Variant type: single nucleotide variant.
Coding change: c.542A>G on transcript NM_001165963.4 (MANE Select); coding-DNA position 542, A replaced by G.
Protein change: p.Glu181Gly; replaces glutamic acid 181 with glycine.
Molecular consequence: missense variant. On other transcripts: 5 prime UTR variant (1), non-coding transcript variant (1).
Genome position (GRCh38, 1-based): chr2:166,054,698, T>C on the plus strand (A>G on the coding strand, the complement: SCN1A is on the minus strand). VCF-style: chr2-166054698-T-C. GRCh37 (hg19) VCF-style: chr2-166911208-T-C.
Other names: c.542A>G, p.Glu181Gly (NM_001165964.3, NM_001202435.3, NM_001353948.2 and 10 more transcripts); c.-1884A>G (NM_001353961.2); short protein forms E181G.
Identifiers: ClinVar variation 568871 (VCV000568871.13), dbSNP rs1559245947, ClinGen allele CA349075482.
Genomic context (GRCh38, chr2:166,054,698, plus strand): 5'-GCAAATGTAATGACAGTGAAATCGAGCCAGTTCCATGGATCCCGAAGGAAAGTAAAATCT[T>C]CTAAACAGAATCCCCTTGCAATAATTTTTATAAGTGATTCAAAAGTATATATTCCTGTGA-3'
Protein context (NP_001159435.1, residues 171-191): IKIIARGFCL[Glu181Gly]DFTFLRDPWN